The following is an entry in ClinVar:

NM_001363711.2(DUOX2):c.3968C>T (p.Ala1323Val)

Gene: DUOX2 (dual oxidase 2; minus strand). Cytogenetic location: 15q21.1.
Variant type: single nucleotide variant.
Coding change: c.3968C>T on transcript NM_001363711.2 (MANE Select); coding-DNA position 3968, C replaced by T.
Protein change: p.Ala1323Val; replaces alanine 1323 with valine.
Molecular consequence: missense variant.
Genome position (GRCh38, 1-based): chr15:45,095,940, G>A on the plus strand (C>T on the coding strand, the complement: DUOX2 is on the minus strand). VCF-style: chr15-45095940-G-A. GRCh37 (hg19) VCF-style: chr15-45388138-G-A.
Other names: c.3968C>T, p.Ala1323Val (NM_014080.5); short protein forms A1323V.
Identifiers: ClinVar variation 451202 (VCV000451202.5), dbSNP rs78020568, ClinGen allele CA7537679.

ClinVar aggregate classification (germline): Uncertain significance. Review status: criteria provided, multiple submitters, no conflicts (2 of 4 stars). 3 submissions from 3 submitters: Uncertain significance (3). Last evaluated 2025-09-08.

Conditions:
Thyroid dyshormonogenesis 6 (TDH6). Also called: THYROID HORMONOGENESIS, GENETIC DEFECT IN, 6; HYPOTHYROIDISM, CONGENITAL, DUE TO DYSHORMONOGENESIS, 6; Genetic transient congenital hypothyroidism. Identifiers: Orphanet 226316, Orphanet 95716, MedGen C1846632, MONDO:0011792, OMIM 607200.

Allele frequency attached by ClinVar (database versions not stated): TOPMed 0.00001; ExAC 0.00005; 1000 Genomes Project 30x 0.00016; 1000 Genomes Project 0.00020.
gnomAD v4.1: 47 of 1,614,032 alleles (0.0029%); highest among the groups gnomAD compares: East Asian, 0.04%; no homozygotes.

Submissions (3):

Labcorp Genetics (formerly Invitae), Labcorp
Classification: Uncertain significance. Last evaluated: 2025-09-08. Review status: criteria provided, single submitter. Criteria: Invitae Variant Classification Sherloc (09022015). Collection method: clinical testing. Allele origin: germline.
Comment: This sequence change replaces alanine, which is neutral and non-polar, with valine, which is neutral and non-polar, at codon 1323 of the DUOX2 protein (p.Ala1323Val). This variant is present in population databases (rs78020568, gnomAD 0.02%). This variant has not been reported in the literature in individuals affected with DUOX2-related conditions. ClinVar contains an entry for this variant (Variation ID: 451202). Invitae Evidence Modeling of protein sequence and biophysical properties (such as structural, functional, and spatial information, amino acid conservation, physicochemical variation, residue mobility, and thermodynamic stability) indicates that this missense variant is expected to disrupt DUOX2 protein function with a positive predictive value of 80%. In summary, the available evidence is currently insufficient to determine the role of this variant in disease. Therefore, it has been classified as a Variant of Uncertain Significance.

Neuberg Centre For Genomic Medicine, NCGM
Classification: Uncertain significance for Thyroid dyshormonogenesis 6. Last evaluated: 2023-02-14. Review status: criteria provided, single submitter. Criteria: ACMG Guidelines, 2015. Collection method: clinical testing. Allele origin: germline. Inheritance: Autosomal recessive inheritance. Affected: yes.
Comment: The missense c.3968C>T (p.Ala1323Val) variant in DUOX2 gene has not been reported previously as a pathogenic variant nor as a benign variant, to our knowledge. The p.Ala1323Val variant has allele frequency 0.004% in gnomAD Exomes and is novel (not in any individuals) in 1000 Genomes. This variant has been reported to the ClinVar database as Uncertain Significance. The amino acid change p.Ala1323Val in DUOX2 is predicted as conserved by GERP++ and PhyloP across 100 vertebrates. The amino acid Ala at position 1323 is changed to a Val changing protein sequence and it might alter its composition and physico-chemical properties. For these reasons, this variant has been classified as Variant of Uncertain Significance (VUS).

GeneDx
Classification: Uncertain significance. Last evaluated: 2017-08-08. Review status: criteria provided, single submitter. Criteria: GeneDx Variant Classification (06012015). Collection method: clinical testing. Allele origin: germline. Affected: yes.
Comment: The A1323V variant in the DUOX2 gene has not been reported previously as a pathogenic variant, nor as a benign variant, to our knowledge. The A1323V variant is observed in 4/16512 (0.024%) alleles from individuals of South Asian background, in the ExAC dataset (Lek et al., 2016). The A1323V variant is a conservative amino acid substitution, which is not likely to impact secondary protein structure as these residues share similar properties. This substitution occurs at a position that is conserved across species. In silico analysis predicts this variant is probably damaging to the protein structure/function. We interpret A1323V as a variant of uncertain significance.